The following is an entry in ClinVar:

NM_000558.5(HBA1):c.96-2A>G

Genes: HBA1 (hemoglobin subunit alpha 1; plus strand), LOC106804613 (hemoglobin subunit alpha 1 recombination region; plus strand). Cytogenetic location: 16p13.3.
Variant type: single nucleotide variant.
Coding change: c.96-2A>G on transcript NM_000558.5 (MANE Select); the canonical splice acceptor site of the intron before coding-DNA position 96, A replaced by G.
Molecular consequence: splice acceptor variant.
Genome position (GRCh38, 1-based): chr16:176,927, A>G. VCF-style: chr16-176927-A-G. GRCh37 (hg19) VCF-style: chr16-226926-A-G.
Other names: c.96-2A>G (NM_000558.4).
Identifiers: ClinVar variation 2920892 (VCV002920892.3), dbSNP rs1298836193, ClinGen allele CA393995033.
Genomic context (GRCh38, chr16:176,927, plus strand): 5'-CCACCCTCAACCGTCCTGGCCCCGGACCCAAACCCCACCCCTCACTCTGCTTCTCCCCGC[A>G]GGATGTTCCTGTCCTTCCCCACCACCAAGACCTACTTCCCGCACTTCGACCTGAGCCACG-3'

ClinVar aggregate classification (germline): Pathogenic/Likely pathogenic. Review status: criteria provided, multiple submitters, no conflicts (2 of 4 stars). 3 submissions from 3 submitters: Pathogenic (2); Likely pathogenic (1). Last evaluated 2025-11-12.

Conditions:
alpha Thalassemia. Also called: Alpha thalassemia spectrum. Identifiers: Orphanet 846, MedGen C0002312, MONDO:0011399, OMIM 604131.

Submissions (3):

Natera, Inc.
Classification: Likely pathogenic for Alpha thalassemia. Last evaluated: 2025-11-12. Review status: criteria provided, single submitter. Criteria: Natera Variant Classification Schema (03/2026). Collection method: clinical testing. Allele origin: germline.
Comment: The c.96-2A>G variant in HBA1 is a canonical splice acceptor site variant predicted to affect pre-mRNA splicing, which may result in an abnormal transcript and altered protein product. This variant is expected to result in nonsense mediated decay, truncation, or a dysfunctional protein product. This variant is rare in the general population with a frequency below the threshold expected for the associated phenotype(s). Given the available evidence, this variant is classified as Likely Pathogenic.

Dasa
Classification: Pathogenic. Last evaluated: 2025-08-06. Review status: criteria provided, single submitter. Criteria: DASA Assertion Criteria. Collection method: clinical testing. Allele origin: germline.
Comment: NM_000558.5(HBA1):c.96-2A>G alters a canonical splice acceptor site predicted to disrupt normal RNA splicing and result in loss of normal alpha-globin production. Loss-of-function is an established mechanism of disease for this gene. Additionally, this variant has been reported in individuals with alpha-thalassemia spectrum disorders. Based on the available data, this variant is classified as pathogenic.

ARUP Laboratories, Molecular Genetics and Genomics, ARUP Laboratories
Classification: Pathogenic. Last evaluated: 2023-03-21. Review status: criteria provided, single submitter. Criteria: ARUP Molecular Germline Variant Investigation Process 2024. Collection method: clinical testing. Allele origin: germline.
Comment: The HBA1 c.96-2A>G variant (rs1298836193), also known as IVS-1-116 A>G, is reported in the literature in the heterozygous state in individuals with hypochromic anemia (Bayat 2013). Additionally, the same variant in HBA2 (HbVar ID: 1066) has been reported in individuals with alpha thalassemia and is considered pathogenic (see HbVar link). Analyses of the HBA2 variant transcript show intron one is retained leading to a premature stop codon and post-transcriptional instability (Harteveld 1996). The HBA1 c.96-2A>G variant is absent from the Genome Aggregation Database, indicating it is not a common polymorphism. This variant disrupts the canonical splice acceptor site of intron 1, which is likely to negatively impact gene function. Based on available information, this variant is considered to be pathogenic. References: Link to HbVar database: Bayat N et al. Novel mutations responsible for alpha-thalassemia in Iranian families. Hemoglobin. 2013;37(2):148-59. PMID: 23402770. Harteveld CL et al. An IVS1-116 (A-->G) acceptor splice site mutation in the alpha 2 globin gene causing alpha + thalassaemia in two Dutch families. Br J Haematol. 1996 Dec;95(3):461-6. PMID: 8943885.